The following is an entry in ClinVar:

NM_001365999.1(SZT2):c.4396C>T (p.Arg1466Ter)

Gene: SZT2 (SZT2 subunit of KICSTOR complex; plus strand). Cytogenetic location: 1p34.2.
Variant type: single nucleotide variant.
Coding change: c.4396C>T on transcript NM_001365999.1 (MANE Select); coding-DNA position 4396, C replaced by T.
Protein change: p.Arg1466Ter; replaces arginine 1466 with a stop codon.
Molecular consequence: nonsense.
Genome position (GRCh38, 1-based): chr1:43,430,098, C>T. VCF-style: chr1-43430098-C-T. GRCh37 (hg19) VCF-style: chr1-43895769-C-T.
Other names: c.4225C>T, p.Arg1409Ter (NM_015284.4); short protein forms R1409*, R1466*.
Identifiers: ClinVar variation 280377 (VCV000280377.13), dbSNP rs766090540, ClinGen allele CA10602769.

ClinVar aggregate classification (germline): Pathogenic/Likely pathogenic. Review status: criteria provided, multiple submitters, no conflicts (2 of 4 stars). 5 submissions from 5 submitters: Pathogenic (4); Likely pathogenic (1). Last evaluated 2025-02-25.

Conditions:
SZT2-related disorder. Also called: SZT2-related condition.
Developmental and epileptic encephalopathy, 18 (DEE18). Also called: Early infantile epileptic encephalopathy 18. Identifiers: Orphanet 369894, MedGen C3809624, MONDO:0014201, OMIM 615476.

Allele frequency attached by ClinVar (database versions not stated): TOPMed 0.00001.

Submissions (5):

GeneDx
Classification: Pathogenic. Last evaluated: 2025-02-25. Review status: criteria provided, single submitter. Criteria: GeneDx Variant Classification Process June 2021. Collection method: clinical testing. Allele origin: germline. Affected: yes.
Comment: Nonsense variant predicted to result in protein truncation or nonsense mediated decay in a gene for which loss of function is a known mechanism of disease; Not observed at significant frequency in large population cohorts (gnomAD); Has not been previously published as pathogenic or benign to our knowledge

3billion
Classification: Pathogenic for Developmental and epileptic encephalopathy, 18. Last evaluated: 2024-11-27. Review status: criteria provided, single submitter. Criteria: ACMG Guidelines, 2015. Collection method: clinical testing. Allele origin: germline. Affected: yes.
Comment: The variant is observed at an extremely low frequency in the gnomAD v4.1.0 dataset (total allele frequency: <0.001%). Predicted Consequence/Location: Stop-gained (nonsense): predicted to result in a loss or disruption of normal protein function through nonsense-mediated decay (NMD) or protein truncation. Multiple pathogenic variants are reported downstream of the variant. The variant has been reported at least twice as pathogenic with clinical assertions and evidence for the classification (ClinVar ID: VCV000280377). Therefore, this variant is classified as Pathogenic according to the recommendation of ACMG/AMP guideline.

Genome-Nilou Lab
Classification: Pathogenic for Developmental and epileptic encephalopathy, 18. Last evaluated: 2023-04-11. Review status: criteria provided, single submitter. Criteria: ACMG Guidelines, 2015. Collection method: clinical testing. Allele origin: germline. Affected: no.

Blueprint Genetics
Classification: Likely pathogenic for SZT2-related disorders. Last evaluated: 2019-11-26. Review status: criteria provided, single submitter. Criteria: ACMG Guidelines, 2015. Collection method: clinical testing. Allele origin: germline. Affected: yes. Observed: 2 variant alleles.

Labcorp Genetics (formerly Invitae), Labcorp
Classification: Pathogenic. Last evaluated: 2019-10-02. Review status: criteria provided, single submitter. Criteria: Invitae Variant Classification Sherloc (09022015). Collection method: clinical testing. Allele origin: germline.
Comment: This sequence change creates a premature translational stop signal (p.Arg1409*) in the SZT2 gene. It is expected to result in an absent or disrupted protein product. This variant is not present in population databases (ExAC no frequency). This variant has not been reported in the literature in individuals with SZT2-related conditions. ClinVar contains an entry for this variant (Variation ID: 280377). Algorithms developed to predict the effect of sequence changes on RNA splicing suggest that this variant may create or strengthen a splice site, but this prediction has not been confirmed by published transcriptional studies. Loss-of-function variants in SZT2 are known to be pathogenic (PMID: 23932106, 27248490, 28556953). For these reasons, this variant has been classified as Pathogenic.

Literature cited by the submitters: PubMed 23932106 (cited by Labcorp Genetics (formerly Invitae), Labcorp); PubMed 27248490 (cited by Labcorp Genetics (formerly Invitae), Labcorp); PubMed 28556953 (cited by Labcorp Genetics (formerly Invitae), Labcorp).